The following is an entry in ClinVar:

ClinVar aggregate classification (germline): Conflicting classifications of pathogenicity. Review status: criteria provided, conflicting classifications (1 of 4 stars). 3 submissions from 3 submitters: Likely pathogenic (1); Uncertain significance (2). Last evaluated 2025-06-10.

gnomAD v4.1: 1 of 1,613,350 alleles (0.000062%); highest among the groups gnomAD compares: Non-Finnish European, 0.000085%; no homozygotes.

Submissions (3):

GeneDx
Classification: Likely pathogenic. Last evaluated: 2025-06-10. Review status: criteria provided, single submitter. Criteria: GeneDx Variant Classification Process June 2021. Collection method: clinical testing. Allele origin: germline. Affected: yes.
Comment: Published functional studies demonstrate a damaging effect with constitutive activation of FGFR3 (PMID: 25777271); Same amino acid substitution caused by a different nucleotide change (c.1584 G>T) has been reported in a family with proportionate short stature in published literature (PMID: 25777271); In silico analysis supports that this missense variant has a deleterious effect on protein structure/function; Not observed at significant frequency in large population cohorts (gnomAD); This variant is associated with the following publications: (PMID: 29312610, 25777271)

Women's Health and Genetics/Laboratory Corporation of America, LabCorp
Classification: Uncertain significance. Last evaluated: 2024-08-14. Review status: criteria provided, single submitter. Criteria: LabCorp Variant Classification Summary - May 2015. Collection method: clinical testing. Allele origin: germline.
Comment: Variant summary: FGFR3 c.1584G>C (p.Met528Ile) results in a conservative amino acid change in the encoded protein sequence. Three of five in-silico tools predict a benign effect of the variant on protein function. The variant was absent in 250916 control chromosomes. c.1584G>C has been reported in the literature in heterozygous individuals affected with short stature (Kant_2015). These report(s) do not provide unequivocal conclusions about association of the variant with Achondroplasia. At least one publication reports experimental evidence evaluating an impact on protein function. The most pronounced variant effect results in increased ERK/MAP kinase activation in transfected chondrocytes (Kant_2015). The following publication has been ascertained in the context of this evaluation (PMID: 25777271). ClinVar contains an entry for this variant (Variation ID: 1680088). Based on the evidence outlined above, the variant was classified as VUS-possibly pathogenic.

Labcorp Genetics (formerly Invitae), Labcorp
Classification: Uncertain significance. Last evaluated: 2021-05-18. Review status: criteria provided, single submitter. Criteria: Invitae Variant Classification Sherloc (09022015). Collection method: clinical testing. Allele origin: germline.
Comment: This sequence change replaces methionine with isoleucine at codon 528 of the FGFR3 protein (p.Met528Ile). The methionine residue is highly conserved and there is a small physicochemical difference between methionine and isoleucine. This variant is not present in population databases (ExAC no frequency). This variant has been observed in individual(s) with short stature (PMID: 25777271). Experimental studies have shown that this variant affects FGFR3 protein function (PMID: 25777271). In summary, the available evidence is currently insufficient to determine the role of this variant in disease. Therefore, it has been classified as a Variant of Uncertain Significance.

Literature cited by the submitters: PubMed 25777271 (cited by Women's Health and Genetics/Laboratory Corporation of America, LabCorp and Labcorp Genetics (formerly Invitae), Labcorp).

NM_000142.5(FGFR3):c.1584G>C (p.Met528Ile)

Gene: FGFR3 (fibroblast growth factor receptor 3; plus strand). Cytogenetic location: 4p16.3.
Variant type: single nucleotide variant.
Coding change: c.1584G>C on transcript NM_000142.5 (MANE Select); coding-DNA position 1584, G replaced by C.
Protein change: p.Met528Ile; replaces methionine 528 with isoleucine.
Molecular consequence: missense variant. On other transcripts: non-coding transcript variant (1).
Genome position (GRCh38, 1-based): chr4:1,805,608, G>C. VCF-style: chr4-1805608-G-C. GRCh37 (hg19) VCF-style: chr4-1807335-G-C.
Other names: c.1590G>C, p.Met530Ile (NM_001163213.2); c.1587G>C, p.Met529Ile (NM_001354809.2, NM_001354810.2); c.1248G>C, p.Met416Ile (NM_022965.4); c.1584G>C (NM_000142.4); short protein forms M416I, M528I, M529I, M530I.
Identifiers: ClinVar variation 1680088 (VCV001680088.10), dbSNP rs1448843898, ClinGen allele CA355981495.